The following is an entry in ClinVar:

ClinVar aggregate classification (germline): Uncertain significance. Review status: criteria provided, multiple submitters, no conflicts (2 of 4 stars). 2 submissions from 2 submitters: Uncertain significance (2). Last evaluated 2025-11-18.

Conditions:
Cohen syndrome (COH1). Also called: Cutis verticis gyrata, retinitis pigmentosa, and sensorineural deafness; PEPPER SYNDROME. Identifiers: Orphanet 193, MedGen C0265223, MONDO:0008999, OMIM 216550.
VPS13B-related disorder. Also called: VPS13B-related condition.

Allele frequency attached by ClinVar (database versions not stated): gnomAD 0.00001; TOPMed 0.00001; ExAC 0.00002; gnomAD exomes 0.00002.
gnomAD v4.1: 25 of 1,613,908 alleles (0.0015%); highest among the groups gnomAD compares: East Asian, 0.047%; no homozygotes.

Submissions (2):

PreventionGenetics, part of Exact Sciences
Classification: Uncertain significance for VPS13B-related condition. Last evaluated: 2025-11-18. Review status: criteria provided, single submitter. Criteria: ACMG Guidelines, 2015. Collection method: clinical testing. Allele origin: germline.
Comment: The VPS13B c.3755C>T variant is predicted to result in the amino acid substitution p.Ser1252Phe. To our knowledge, this variant has not been reported in the literature. This variant is reported in 0.033% of alleles in individuals of East Asian descent in gnomAD. At this time, the clinical significance of this variant is uncertain due to the absence of conclusive functional and genetic evidence.

Labcorp Genetics (formerly Invitae), Labcorp
Classification: Uncertain significance for Cohen syndrome. Last evaluated: 2024-12-16. Review status: criteria provided, single submitter. Criteria: Invitae Variant Classification Sherloc (09022015). Collection method: clinical testing. Allele origin: germline.
Comment: This sequence change replaces serine, which is neutral and polar, with phenylalanine, which is neutral and non-polar, at codon 1252 of the VPS13B protein (p.Ser1252Phe). This variant is present in population databases (rs763456297, gnomAD 0.03%). This variant has not been reported in the literature in individuals affected with VPS13B-related conditions. ClinVar contains an entry for this variant (Variation ID: 1503424). Invitae Evidence Modeling of protein sequence and biophysical properties (such as structural, functional, and spatial information, amino acid conservation, physicochemical variation, residue mobility, and thermodynamic stability) indicates that this missense variant is not expected to disrupt VPS13B protein function with a negative predictive value of 80%. In summary, the available evidence is currently insufficient to determine the role of this variant in disease. Therefore, it has been classified as a Variant of Uncertain Significance.

NM_152564.5(VPS13B):c.3755C>T (p.Ser1252Phe)

Gene: VPS13B (vacuolar protein sorting 13 homolog B; plus strand). Cytogenetic location: 8q22.2.
Variant type: single nucleotide variant.
Coding change: c.3755C>T on transcript NM_152564.5 (MANE Select); coding-DNA position 3755, C replaced by T.
Protein change: p.Ser1252Phe; replaces serine 1252 with phenylalanine.
Molecular consequence: missense variant.
Genome position (GRCh38, 1-based): chr8:99,481,687, C>T. VCF-style: chr8-99481687-C-T. GRCh37 (hg19) VCF-style: chr8-100493915-C-T.
Other names: c.3755C>T (NM_152564.4); c.3755C>T, p.Ser1252Phe (NM_017890.5); short protein forms S1252F.
Identifiers: ClinVar variation 1503424 (VCV001503424.8), dbSNP rs763456297, ClinGen allele CA4823329.